The following is an entry in ClinVar:

ClinVar aggregate classification (germline): Uncertain significance (1 of 4 stars; one submission).

Conditions:
RASopathy. Also called: rasopathies; Noonan spectrum disorder. Identifiers: Orphanet 536391, MedGen C5555857, MONDO:0021060.

Allele frequency attached by ClinVar (database versions not stated): gnomAD exomes below 0.00001.
gnomAD v4.1: 1 of 1,612,510 alleles (0.000062%); highest among the groups gnomAD compares: Non-Finnish European, 0.000085%; no homozygotes.

Submission:

Labcorp Genetics (formerly Invitae), Labcorp
Classification: Uncertain significance for RASopathy. Last evaluated: 2021-11-12. Review status: criteria provided, single submitter. Criteria: Invitae Variant Classification Sherloc (09022015). Collection method: clinical testing. Allele origin: germline.
Comment: In summary, the available evidence is currently insufficient to determine the role of this variant in disease. Therefore, it has been classified as a Variant of Uncertain Significance. Advanced modeling of protein sequence and biophysical properties (such as structural, functional, and spatial information, amino acid conservation, physicochemical variation, residue mobility, and thermodynamic stability) performed at Invitae indicates that this missense variant is not expected to disrupt CBL protein function. This variant has not been reported in the literature in individuals affected with CBL-related conditions. This variant is present in population databases (no rsID available, gnomAD 0.0009%). This sequence change replaces threonine, which is neutral and polar, with lysine, which is basic and polar, at codon 698 of the CBL protein (p.Thr698Lys).

NM_005188.4(CBL):c.2093C>A (p.Thr698Lys)

Gene: CBL (Cbl proto-oncogene; plus strand). Cytogenetic location: 11q23.3.
Variant type: single nucleotide variant.
Coding change: c.2093C>A on transcript NM_005188.4 (MANE Select); coding-DNA position 2093, C replaced by A.
Protein change: p.Thr698Lys; replaces threonine 698 with lysine.
Molecular consequence: missense variant.
Genome position (GRCh38, 1-based): chr11:119,296,974, C>A. VCF-style: chr11-119296974-C-A. GRCh37 (hg19) VCF-style: chr11-119167684-C-A.
Other names: short protein forms T698K.
Identifiers: ClinVar variation 1379639 (VCV001379639.6), dbSNP rs1565272125, ClinGen allele CA382926899.